The following is an entry in ClinVar:

ClinVar aggregate classification (germline): Likely benign. Review status: criteria provided, multiple submitters, no conflicts (2 of 4 stars). 3 submissions from 3 submitters: Likely benign (2). 1 of the submissions does not count toward it. Last evaluated 2025-06-12.

Conditions:
Orofaciodigital syndrome type 6 (OFD6). Also called: Oral-facial-digital syndrome type 6; Central polydactyly cleft lip/palate or lingual lump and psychomotor retardation; Y-shaped central metacarpal and cerebellar defect; Joubert syndrome with orofacialdigital anomalies; OROFACIODIGITAL SYNDROME VI; OFDS VI. Identifiers: Orphanet 2754, MedGen C2745997, MONDO:0010176, OMIM 277170.
Joubert syndrome 17 (JBTS17). Identifiers: Orphanet 475, MedGen C3553264, MONDO:0013824, OMIM 614615.
CPLANE1-related disorder. Also called: CPLANE1-related condition.

Allele frequency attached by ClinVar (database versions not stated): gnomAD exomes 0.00001; ExAC 0.00002; TOPMed 0.00005; gnomAD 0.00006; ESP Exome Variant Server 0.00008; 1000 Genomes Project 0.00020; 1000 Genomes Project 30x 0.00031.
gnomAD v4.1: 17 of 1,613,640 alleles (0.0011%); highest among the groups gnomAD compares: African/African-American, 0.023%; no homozygotes.

Submissions (3):

Labcorp Genetics (formerly Invitae), Labcorp
Classification: Likely benign. Last evaluated: 2025-06-12. Review status: criteria provided, single submitter. Criteria: Invitae Variant Classification Sherloc (09022015). Collection method: clinical testing. Allele origin: germline.

Fulgent Genetics
Classification: Likely benign for Orofaciodigital syndrome type 6; Joubert syndrome 17. Last evaluated: 2022-01-12. Review status: criteria provided, single submitter. Criteria: ACMG Guidelines, 2015. Collection method: clinical testing. Allele origin: unknown.

PreventionGenetics, part of Exact Sciences
Classification: Likely benign for CPLANE1-related condition. Last evaluated: 2019-04-24. Review status: no assertion criteria provided. Collection method: clinical testing. Allele origin: germline. Not counted in ClinVar's aggregate classification.
Comment: This variant is classified as likely benign based on ACMG/AMP sequence variant interpretation guidelines (Richards et al. 2015 PMID: 25741868, with internal and published modifications).

NM_001384732.1(CPLANE1):c.7296A>G (p.Lys2432=)

Gene: CPLANE1 (ciliogenesis and planar polarity effector complex subunit 1; minus strand). Cytogenetic location: 5p13.2.
Variant type: single nucleotide variant.
Coding change: c.7296A>G on transcript NM_001384732.1 (MANE Select); coding-DNA position 7296, A replaced by G.
Protein change: p.Lys2432=; no amino-acid change (lysine 2432 retained).
Molecular consequence: synonymous variant.
Genome position (GRCh38, 1-based): chr5:37,167,151, T>C on the plus strand (A>G on the coding strand, the complement: CPLANE1 is on the minus strand). VCF-style: chr5-37167151-T-C. GRCh37 (hg19) VCF-style: chr5-37167253-T-C.
Other names: c.7296A>G, p.Lys2432= (NM_023073.4).
Identifiers: ClinVar variation 736213 (VCV000736213.13), dbSNP rs374320265, ClinGen allele CA3238096.